The following is an entry in ClinVar:

ClinVar aggregate classification (germline): Uncertain significance (1 of 4 stars; one submission).

Conditions:
Peroxisome biogenesis disorder, complementation group 7 (CG7). Also called: Peroxisome biogenesis disorder, complementation group B. Identifiers: MedGen C1864399.

Allele frequency attached by ClinVar (database versions not stated): gnomAD exomes 0.00001 and 0.00002; ExAC 0.00003; gnomAD 0.00003 and 0.00004; TOPMed 0.00003.
gnomAD v4.1: 21 of 1,610,770 alleles (0.0013%); highest among the groups gnomAD compares: African/African-American, 0.011%; no homozygotes.

Submission:

Labcorp Genetics (formerly Invitae), Labcorp
Classification: Uncertain significance for Peroxisome biogenesis disorder, complementation group 7. Last evaluated: 2022-08-12. Review status: criteria provided, single submitter. Criteria: Invitae Variant Classification Sherloc (09022015). Collection method: clinical testing. Allele origin: germline.
Comment: This sequence change replaces arginine, which is basic and polar, with histidine, which is basic and polar, at codon 136 of the PEX10 protein (p.Arg136His). This variant is present in population databases (rs745469808, gnomAD 0.01%). This variant has not been reported in the literature in individuals affected with PEX10-related conditions. ClinVar contains an entry for this variant (Variation ID: 1450217). Algorithms developed to predict the effect of missense changes on protein structure and function output the following: SIFT: "Tolerated"; PolyPhen-2: "Benign"; Align-GVGD: "Class C0". The histidine amino acid residue is found in multiple mammalian species, which suggests that this missense change does not adversely affect protein function. In summary, the available evidence is currently insufficient to determine the role of this variant in disease. Therefore, it has been classified as a Variant of Uncertain Significance.

NM_002617.4(PEX10):c.407G>A (p.Arg136His)

Gene: PEX10 (peroxisomal biogenesis factor 10; minus strand). Cytogenetic location: 1p36.32.
Variant type: single nucleotide variant.
Coding change: c.407G>A on transcript NM_002617.4 (MANE Select); coding-DNA position 407, G replaced by A.
Protein change: p.Arg136His; replaces arginine 136 with histidine.
Molecular consequence: missense variant. On other transcripts: 5 prime UTR variant (2), non-coding transcript variant (1).
Genome position (GRCh38, 1-based): chr1:2,408,645, C>T on the plus strand (G>A on the coding strand, the complement: PEX10 is on the minus strand). VCF-style: chr1-2408645-C-T. GRCh37 (hg19) VCF-style: chr1-2340084-C-T.
Other names: c.407G>A, p.Arg136His (NM_001374425.1, NM_153818.2); c.-26G>A (NM_001374426.1, NM_001374427.1); short protein forms R136H.
Identifiers: ClinVar variation 1450217 (VCV001450217.5), dbSNP rs745469808, ClinGen allele CA538186.